The following is an entry in ClinVar:

ClinVar aggregate classification (germline): Uncertain significance (1 of 4 stars; one submission).

Submission:

Labcorp Genetics (formerly Invitae), Labcorp
Classification: Uncertain significance. Last evaluated: 2025-05-05. Review status: criteria provided, single submitter. Criteria: Invitae Variant Classification Sherloc (09022015). Collection method: clinical testing. Allele origin: germline.
Comment: This sequence change falls in intron 34 of the MYO3A gene. It does not directly change the encoded amino acid sequence of the MYO3A protein. It affects a nucleotide within the consensus splice site. This variant is not present in population databases (gnomAD no frequency). This variant has not been reported in the literature in individuals affected with MYO3A-related conditions. Variants that disrupt the consensus splice site are a relatively common cause of aberrant splicing (PMID: 17576681, 9536098). Algorithms developed to predict the effect of sequence changes on RNA splicing suggest that this variant may disrupt the consensus splice site. In summary, the available evidence is currently insufficient to determine the role of this variant in disease. Therefore, it has been classified as a Variant of Uncertain Significance.

Literature cited by the submitters: PubMed 17576681; PubMed 9536098.

NM_017433.5(MYO3A):c.4730+3A>T

Gene: MYO3A (myosin IIIA; plus strand). Cytogenetic location: 10p12.1.
Variant type: single nucleotide variant.
Coding change: c.4730+3A>T on transcript NM_017433.5 (MANE Select); 3 bases into the intron after coding-DNA position 4730, A replaced by T.
Molecular consequence: intron variant.
Genome position (GRCh38, 1-based): chr10:26,203,110, A>T. VCF-style: chr10-26203110-A-T. GRCh37 (hg19) VCF-style: chr10-26492039-A-T.
Identifiers: ClinVar variation 4715561 (VCV004715561.1).